The following is an entry in ClinVar:

ClinVar aggregate classification (germline): Uncertain significance (1 of 4 stars; one submission).

Submission:

Labcorp Genetics (formerly Invitae), Labcorp
Classification: Uncertain significance. Last evaluated: 2021-03-12. Review status: criteria provided, single submitter. Criteria: Invitae Variant Classification Sherloc (09022015). Collection method: clinical testing. Allele origin: germline.
Comment: This sequence change creates a premature translational stop signal (p.Trp178*) in the HOXB13 gene. It is expected to result in an absent or disrupted protein product. However, the current clinical and genetic evidence is not sufficient to establish whether loss-of-function variants in HOXB13 cause disease. This variant is not present in population databases (ExAC no frequency). This variant has not been reported in the literature in individuals with HOXB13-related conditions. Experimental studies and prediction algorithms are not available or were not evaluated, and the functional significance of this variant is currently unknown. In summary, the available evidence is currently insufficient to determine the role of this variant in disease. Therefore, it has been classified as a Variant of Uncertain Significance.

NM_006361.6(HOXB13):c.534del (p.Gly177_Trp178insTer)

Gene: HOXB13 (homeobox B13; minus strand). Cytogenetic location: 17q21.32.
Variant type: Deletion.
Coding change: c.534del on transcript NM_006361.6 (MANE Select); coding-DNA position 534, one base deleted (G; older notation c.534delG).
Protein change: p.Gly177_Trp178insTer.
Molecular consequence: nonsense.
Genome position (GRCh38, 1-based): chr17:48,728,060, C deleted on the plus strand (G on the coding strand, the reverse complement: HOXB13 is on the minus strand); the first of 2 consecutive C bases (chr17:48,728,060-48,728,061); deleting either gives the same sequence. VCF-style (leftmost placement, unchanged base first): chr17-48728059-TC-T. GRCh37 (hg19) VCF-style: chr17-46805421-TC-T.
Identifiers: ClinVar variation 1516084 (VCV001516084.6), dbSNP rs2143071253, ClinGen allele CA2573154112.